The following is an entry in ClinVar:

ClinVar aggregate classification (germline): Uncertain significance (1 of 4 stars; one submission).

Conditions:
FG syndrome 1 (OKS). Also called: KELLER SYNDROME; MENTAL RETARDATION, LARGE HEAD, IMPERFORATE ANUS, CONGENITAL HYPOTONIA, AND PARTIAL AGENESIS OF CORPUS CALLOSUM; OPITZ-KAVEGGIA SYNDROME; FG Syndrome Type 1 (FGS1). Identifiers: Orphanet 93932, MedGen C5399762, MONDO:0010590, OMIM 305450.

Submission:

Labcorp Genetics (formerly Invitae), Labcorp
Classification: Uncertain significance for FG syndrome 1. Last evaluated: 2019-04-01. Review status: criteria provided, single submitter. Criteria: Invitae Variant Classification Sherloc (09022015). Collection method: clinical testing. Allele origin: germline.
Comment: This variant results in a copy number gain of the genomic region encompassing the full coding sequence of the MED12 gene. The boundaries of this event are unknown as they extend beyond the assayed region for this gene and therefore may encompass additional genes. As the precise location of this event is unknown, it may be in tandem or it may be located elsewhere in the genome. This variant has not been reported in the literature in individuals with MED12-related conditions. In summary, the available evidence is currently insufficient to determine the role of this variant in disease. Therefore, it has been classified as a Variant of Uncertain Significance.

NC_000023.11:g.(?_71118745)_(71224569_?)dup

Genes: GJB1 (gap junction protein beta 1; plus strand), MED12 (mediator complex subunit 12; plus strand), NLGN3 (neuroligin 3; plus strand). Cytogenetic location: Xq13.1.
Variant type: Duplication.
Identifiers: ClinVar variation 832748 (VCV000832748.1).